The following is an entry in ClinVar:

NM_006079.5(CITED2):c.577GGC[1] (p.Gly194_Gly195del)

Genes: CITED2 (Cbp/p300 interacting transactivator with ED-rich tail 2; minus strand), LOC129997307 (ATAC-STARR-seq lymphoblastoid silent region 17609; plus strand). Cytogenetic location: 6q24.1.
Variant type: Microsatellite.
Coding change: c.577GGC[1] on transcript NM_006079.5 (MANE Select); one copy of the 3-base unit GGC starting at c.577; the reference has three copies in a row; two copies, 6 bases deleted.
Protein change: p.Gly194_Gly195del.
Molecular consequence: inframe deletion.
Genome position (GRCh38, 1-based): chr6:139,373,360-139,373,365, GCCGCC deleted on the plus strand (GGCGGC on the coding strand, the reverse complement: CITED2 is on the minus strand); deleting any 6 consecutive bases within chr6:139,373,360-139,373,370 gives the same sequence; the position shown is the placement nearest the transcript's 3' end. VCF-style (leftmost placement, unchanged base first): chr6-139373359-TGCCGCC-T. GRCh37 (hg19) VCF-style: chr6-139694496-TGCCGCC-T.
Other names: c.577GGC[1], p.Gly194_Gly195del (NM_001168388.3); c.592GGC[1], p.Gly199_Gly200del (NM_001168389.3).
Identifiers: ClinVar variation 3350409 (VCV003350409.11).
Genomic context (GRCh38, chr6:139,373,359, plus strand): 5'-TGGGCGGCAGCATTGCAGCGGGGACGTGGGCCACGGAGGCGGGCATGTTGCCGCTGCCGC[TGCCGCC>T]GCCGCTGTTGCTGCTGCCCGCGCCGCCGCCCGAGCTGCTGCCAGAGCCGCCGGGGGTGCT-3'

ClinVar aggregate classification (germline): Likely benign. Review status: criteria provided, single submitter (1 of 4 stars). 2 submissions from 2 submitters: Likely benign (1). 1 of the submissions does not count toward it. Last evaluated 2026-06-01.

Conditions:
CITED2-related disorder. Also called: CITED2-related condition.

Submissions (2):

CeGaT Center for Human Genetics Tuebingen
Classification: Likely benign. Last evaluated: 2026-06-01. Review status: criteria provided, single submitter. Criteria: CeGaT Center For Human Genetics Tuebingen Variant Classification Criteria Version 2. Collection method: clinical testing. Allele origin: germline. Affected: yes. Observed: 2 variant alleles.
Comment: CITED2: BS1

PreventionGenetics, part of Exact Sciences
Classification: Benign for CITED2-related condition. Last evaluated: 2024-03-26. Review status: no assertion criteria provided. Collection method: clinical testing. Allele origin: germline. Not counted in ClinVar's aggregate classification.
Comment: This variant is classified as benign based on ACMG/AMP sequence variant interpretation guidelines (Richards et al. 2015 PMID: 25741868, with internal and published modifications).